The following is an entry in ClinVar:

ClinVar aggregate classification (germline): Uncertain significance. Review status: criteria provided, multiple submitters, no conflicts (2 of 4 stars). 3 submissions from 3 submitters: Uncertain significance (3). Last evaluated 2025-08-05.

Conditions:
GRN-related frontotemporal lobar degeneration with Tdp43 inclusions (FTD2). Also called: DEMENTIA, HEREDITARY DYSPHASIC DISINHIBITION; FRONTOTEMPORAL LOBAR DEGENERATION WITH UBIQUITIN-POSITIVE INCLUSIONS; FTLD-TDP, GRN-RELATED; GRN Frontotemporal Dementia; FRONTOTEMPORAL DEMENTIA WITH TDP43 INCLUSIONS, GRN-RELATED. Identifiers: Orphanet 100070, Orphanet 282, MedGen C1843792, MONDO:0011842, OMIM 607485. Disease mechanism: loss of function.
Neuronal ceroid lipofuscinosis 11. Also called: GRN-Related Neuronal Ceroid-Lipofuscinosis. Identifiers: Orphanet 314629, Orphanet 79262, MedGen C3539123, MONDO:0013866, OMIM 614706.

Allele frequency attached by ClinVar (database versions not stated): gnomAD 0.00001.
gnomAD v4.1: 33 of 1,613,930 alleles (0.002%); highest among the groups gnomAD compares: Non-Finnish European, 0.0025%; no homozygotes.

Submissions (3):

Labcorp Genetics (formerly Invitae), Labcorp
Classification: Uncertain significance for Neuronal ceroid lipofuscinosis 11; GRN-related frontotemporal lobar degeneration with Tdp43 inclusions. Last evaluated: 2025-08-05. Review status: criteria provided, single submitter. Criteria: Invitae Variant Classification Sherloc (09022015). Collection method: clinical testing. Allele origin: germline.
Comment: This sequence change replaces alanine, which is neutral and non-polar, with proline, which is neutral and non-polar, at codon 266 of the GRN protein (p.Ala266Pro). This variant is present in population databases (rs747362041, gnomAD 0.002%). This missense change has been observed in individual(s) with frontotemporal dementia (PMID: 22819134, 29525180). ClinVar contains an entry for this variant (Variation ID: 1387314). Invitae Evidence Modeling of protein sequence and biophysical properties (such as structural, functional, and spatial information, amino acid conservation, physicochemical variation, residue mobility, and thermodynamic stability) indicates that this missense variant is not expected to disrupt GRN protein function with a negative predictive value of 80%. Experimental studies have shown that this missense change affects GRN function (PMID: 22819134). In summary, the available evidence is currently insufficient to determine the role of this variant in disease. Therefore, it has been classified as a Variant of Uncertain Significance.

Revvity Omics, Revvity
Classification: Uncertain significance. Last evaluated: 2021-02-23. Review status: criteria provided, single submitter. Criteria: ACMG Guidelines, 2015. Collection method: clinical testing. Allele origin: germline.

Breakthrough Genomics
Classification: Uncertain significance. Review status: criteria provided, single submitter. Criteria: ACMG Guidelines, 2015. Collection method: not provided. Allele origin: germline. Inheritance: Autosomal recessive inheritance. Affected: yes.

Literature cited by the submitters: PubMed 22819134 (cited by Labcorp Genetics (formerly Invitae), Labcorp); PubMed 29525180 (cited by Labcorp Genetics (formerly Invitae), Labcorp).

NM_002087.4(GRN):c.796G>C (p.Ala266Pro)

Gene: GRN (granulin precursor; plus strand). Cytogenetic location: 17q21.31.
Variant type: single nucleotide variant.
Coding change: c.796G>C on transcript NM_002087.4 (MANE Select); coding-DNA position 796, G replaced by C.
Protein change: p.Ala266Pro; replaces alanine 266 with proline.
Molecular consequence: missense variant.
Genome position (GRCh38, 1-based): chr17:44,351,124, G>C. VCF-style: chr17-44351124-G-C. GRCh37 (hg19) VCF-style: chr17-42428492-G-C.
Other names: c.796G>C (NM_002087.2); short protein forms A266P.
Identifiers: ClinVar variation 1387314 (VCV001387314.11), dbSNP rs747362041, ClinGen allele CA8602015.